The following is an entry in ClinVar:

NM_005378.6(MYCN):c.131C>T (p.Pro44Leu)

Genes: MYCN (MYCN proto-oncogene, bHLH transcription factor; plus strand), MYCNOS (MYCN opposite strand; minus strand). Cytogenetic location: 2p24.3.
Variant type: single nucleotide variant.
Coding change: c.131C>T on transcript NM_005378.6 (MANE Select); coding-DNA position 131, C replaced by T.
Protein change: p.Pro44Leu; replaces proline 44 with leucine.
Molecular consequence: missense variant. On other transcripts: non-coding transcript variant (1), 3 prime UTR variant (1), intron variant (1).
Genome position (GRCh38, 1-based): chr2:15,942,195, C>T. VCF-style: chr2-15942195-C-T. GRCh37 (hg19) VCF-style: chr2-16082317-C-T.
Other names: c.131C>T, p.Pro44Leu (NM_001293228.2); c.*66C>T (NM_001293233.2); c.157+1452C>T (NM_001293231.2); short protein forms P44L.
Identifiers: ClinVar variation 376460 (VCV000376460.4), dbSNP rs1057519919, ClinGen allele CA16602894.

ClinVar aggregate classification (somatic clinical impact): Tier I - Strong. Review status: criteria provided, single submitter (1 of 4 stars). 3 submissions from 1 submitter. 1 of the submissions does not count toward it. Last evaluated 2024-07-23.
ClinVar aggregate classification (oncogenicity): Likely oncogenic (1 of 4 stars; one submission).

Conditions:
Medulloblastoma non-WNT/non-SHH. Identifiers: MedGen C4330667, MONDO:0850198.
Alveolar rhabdomyosarcoma (RMS2). Also called: RHABDOMYOSARCOMA 2; Alveolar rhabdomyosarcoma (disease). Identifiers: Orphanet 780, Orphanet 99756, MedGen C0206655, MONDO:0009994, OMIM 268220, HP:0006779.
Neuroblastoma (NB). Identifiers: Orphanet 635, MedGen C0027819, MeSH D009447, MONDO:0005072, HP:0003006.
Neoplasm. Also called: Neoplasms; Neoplasm (disease); tumor. Identifiers: MedGen C0027651, MeSH D009369, MONDO:0005070, HP:0002664.

Submissions (4):

Center for Genomic Medicine, Rigshospitalet, Copenhagen University Hospital
Classification: Likely oncogenic for Neoplasm. Last evaluated: 2025-03-04. Review status: criteria provided, single submitter. Criteria: ClinGen/CGC/VICC Guidelines for Oncogenicity, 2022. Collection method: clinical testing. Allele origin: somatic. Affected: yes.

Institute for Genomic Medicine (IGM) Clinical Laboratory, Nationwide Children's Hospital
Classification: Tier I - Strong for Neuroblastoma. Assertion type: diagnostic. Clinical significance: supports diagnosis. Last evaluated: 2024-07-23. Review status: criteria provided, single submitter. Criteria: AMP/ASCO/CAP Guidelines, 2017. Collection method: clinical testing. Allele origin: somatic. Affected: yes.
Comment: Variant has Tier I (strong) clinical significance as a diagnostic inclusion criterion in neuroblastoma, based on the following evidence: 1) Documented in one or more cancer databases (e.g., St. Jude Pecan, COSMIC, CIViC, OncoKB). 2) Appears in one or more well-established professional guidelines (e.g., World Health Organization [WHO]; National Comprehensive Cancer Network [NCCN]) as providing diagnostic, prognostic, or therapeutic information. 3) Diagnostic for a specific tumor type/classification based on well-powered studies with expert-level consensus (Evidence Level B; PMIDs: 23334666, 22744966, 33020650).

Institute for Genomic Medicine (IGM) Clinical Laboratory, Nationwide Children's Hospital
Classification: Tier II - Potential for Medulloblastoma non-WNT/non-SHH. Assertion type: diagnostic. Clinical significance: supports diagnosis. Last evaluated: 2023-08-01. Review status: criteria provided, single submitter. Criteria: AMP/ASCO/CAP Guidelines, 2017. Collection method: clinical testing. Allele origin: somatic. Affected: yes. Not counted in ClinVar's aggregate classification.
Comment: Variant has Tier II (potential) clinical significance as a diagnostic inclusion criterion in medulloblastoma non-WNT/non-SHH, based on the following evidence: 1) Diagnostic significance based on multiple small studies (Evidence Level C; PMIDs: 22832583, 26619011, 28726821, 29358508).

Institute for Genomic Medicine (IGM) Clinical Laboratory, Nationwide Children's Hospital
Classification: Tier I - Strong for Alveolar rhabdomyosarcoma. Assertion type: diagnostic. Clinical significance: supports diagnosis. Last evaluated: 2022-11-14. Review status: criteria provided, single submitter. Criteria: AMP/ASCO/CAP Guidelines, 2017. Collection method: clinical testing. Allele origin: somatic. Affected: yes.
Comment: Variant has Tier I (strong) clinical significance as a diagnostic inclusion criterion in alveolar rhabdomyosarcoma, based on the following evidence: 1) Documented in one or more cancer databases (e.g., St. Jude Pecan, COSMIC, CIViC, OncoKB). 2) Appears in one or more well-established professional guidelines (e.g., World Health Organization [WHO]; National Comprehensive Cancer Network [NCCN]) as providing diagnostic, prognostic, or therapeutic information. 3) Diagnostic for a specific tumor type/classification based on well-powered studies with expert-level consensus (Evidence Level B; PMIDs: 19235922, 19047133).

Literature cited by the submitters: PubMed 28671688 (cited by Center for Genomic Medicine, Rigshospitalet, Copenhagen University Hospital); PubMed 23334666 (cited by Institute for Genomic Medicine (IGM) Clinical Laboratory, Nationwide Children's Hospital); PubMed 22744966 (cited by Institute for Genomic Medicine (IGM) Clinical Laboratory, Nationwide Children's Hospital); PubMed 33020650 (cited by Institute for Genomic Medicine (IGM) Clinical Laboratory, Nationwide Children's Hospital); PubMed 22832583 (cited by Institute for Genomic Medicine (IGM) Clinical Laboratory, Nationwide Children's Hospital); PubMed 26619011 (cited by Institute for Genomic Medicine (IGM) Clinical Laboratory, Nationwide Children's Hospital); PubMed 28726821 (cited by Institute for Genomic Medicine (IGM) Clinical Laboratory, Nationwide Children's Hospital); PubMed 29358508 (cited by Institute for Genomic Medicine (IGM) Clinical Laboratory, Nationwide Children's Hospital); PubMed 19235922 (cited by Institute for Genomic Medicine (IGM) Clinical Laboratory, Nationwide Children's Hospital); PubMed 19047133 (cited by Institute for Genomic Medicine (IGM) Clinical Laboratory, Nationwide Children's Hospital).